The following is an entry in ClinVar:

ClinVar aggregate classification (germline): Uncertain significance (1 of 4 stars; one submission).

Allele frequency attached by ClinVar (database versions not stated): gnomAD exomes below 0.00001; ExAC 0.00001.
gnomAD v4.1: 3 of 1,608,750 alleles (0.00019%); highest among the groups gnomAD compares: South Asian, 0.0011%; no homozygotes.

Submission:

Labcorp Genetics (formerly Invitae), Labcorp
Classification: Uncertain significance. Last evaluated: 2022-07-21. Review status: criteria provided, single submitter. Criteria: Invitae Variant Classification Sherloc (09022015). Collection method: clinical testing. Allele origin: germline.
Comment: Algorithms developed to predict the effect of sequence changes on RNA splicing suggest that this variant may disrupt the consensus splice site. In summary, the available evidence is currently insufficient to determine the role of this variant in disease. Therefore, it has been classified as a Variant of Uncertain Significance. This sequence change affects codon 2104 of the MYO18B mRNA. It is a 'silent' change, meaning that it does not change the encoded amino acid sequence of the MYO18B protein. The frequency data for this variant in the population databases is considered unreliable, as metrics indicate poor data quality at this position in the gnomAD database. This variant has not been reported in the literature in individuals affected with MYO18B-related conditions.

NM_032608.7(MYO18B):c.6312C>T (p.Gly2104=)

Gene: MYO18B (myosin XVIIIB; plus strand). Cytogenetic location: 22q12.1.
Variant type: single nucleotide variant.
Coding change: c.6312C>T on transcript NM_032608.7 (MANE Select); coding-DNA position 6312, C replaced by T.
Protein change: p.Gly2104=; no amino-acid change (glycine 2104 retained).
Molecular consequence: synonymous variant.
Genome position (GRCh38, 1-based): chr22:26,003,289, C>T. VCF-style: chr22-26003289-C-T. GRCh37 (hg19) VCF-style: chr22-26399255-C-T.
Other names: c.6315C>T, p.Gly2105= (NM_001318245.2).
Identifiers: ClinVar variation 2018625 (VCV002018625.4), dbSNP rs779336633, ClinGen allele CA10161483.